The following is an entry in ClinVar:

ClinVar aggregate classification (germline): Conflicting classifications of pathogenicity. Review status: criteria provided, conflicting classifications (1 of 4 stars). 3 submissions from 3 submitters: Likely pathogenic (1); Uncertain significance (2). Last evaluated 2025-10-17.

Conditions:
Rienhoff syndrome. Also called: LOEYS-DIETZ SYNDROME 5. Identifiers: MedGen C3810012, MONDO:0014262, OMIM 615582.
Familial thoracic aortic aneurysm and aortic dissection (TAAD). Also called: Thoracic aortic aneurysms and dissections. Identifiers: Orphanet 91387, MedGen C4707243, MONDO:0019625.

Allele frequency attached by ClinVar (database versions not stated): gnomAD 0.00001; TOPMed 0.00001.
gnomAD v4.1: 16 of 1,614,132 alleles (0.00099%); highest among the groups gnomAD compares: Non-Finnish European, 0.0012%; no homozygotes.

Submissions (3):

Labcorp Genetics (formerly Invitae), Labcorp
Classification: Likely pathogenic for Rienhoff syndrome. Last evaluated: 2025-10-17. Review status: criteria provided, single submitter. Criteria: Invitae Variant Classification Sherloc (09022015). Collection method: clinical testing. Allele origin: germline.
Comment: This sequence change replaces arginine, which is basic and polar, with cysteine, which is neutral and slightly polar, at codon 133 of the TGFB3 protein (p.Arg133Cys). This variant is not present in population databases (gnomAD no frequency). This missense change has been observed in individual(s) with clinical features of Loeys Dietz syndrome (internal data). In at least one individual the variant was observed to be de novo. ClinVar contains an entry for this variant (Variation ID: 1736684). Invitae Evidence Modeling of protein sequence and biophysical properties (such as structural, functional, and spatial information, amino acid conservation, physicochemical variation, residue mobility, and thermodynamic stability) indicates that this missense variant is not expected to disrupt TGFB3 protein function with a negative predictive value of 80%. This variant disrupts the p.Arg133 amino acid residue in TGFB3. Other variant(s) that disrupt this residue have been observed in individuals with TGFB3-related conditions (internal data), which suggests that this may be a clinically significant amino acid residue. In summary, the currently available evidence indicates that the variant is pathogenic, but additional data are needed to prove that conclusively. Therefore, this variant has been classified as Likely Pathogenic.

Ambry Genetics
Classification: Uncertain significance for Familial thoracic aortic aneurysm and aortic dissection. Last evaluated: 2025-05-02. Review status: criteria provided, single submitter. Criteria: Ambry Variant Classification Scheme 2023. Collection method: clinical testing. Allele origin: germline.
Comment: The p.R133C variant (also known as c.397C>T), located in coding exon 2 of the TGFB3 gene, results from a C to T substitution at nucleotide position 397. The arginine at codon 133 is replaced by cysteine, an amino acid with highly dissimilar properties. This variant was reported in individual(s) with features consistent with thoracic aortic aneurysm and dissection (TAAD) (Ambry internal data). This amino acid position is highly conserved in available vertebrate species. In addition, this alteration is predicted to be deleterious by in silico analysis. Based on the available evidence, the clinical significance of this variant remains unclear.

GeneDx
Classification: Uncertain significance. Last evaluated: 2024-12-03. Review status: criteria provided, single submitter. Criteria: GeneDx Variant Classification Process June 2021. Collection method: clinical testing. Allele origin: germline. Affected: yes.
Comment: Not observed at significant frequency in large population cohorts (gnomAD); In silico analysis supports that this missense variant has a deleterious effect on protein structure/function; Has not been previously published as pathogenic or benign to our knowledge

NM_003239.5(TGFB3):c.397C>T (p.Arg133Cys)

Gene: TGFB3 (transforming growth factor beta 3; minus strand). Cytogenetic location: 14q24.3.
Variant type: single nucleotide variant.
Coding change: c.397C>T on transcript NM_003239.5 (MANE Select); coding-DNA position 397, C replaced by T.
Protein change: p.Arg133Cys; replaces arginine 133 with cysteine.
Molecular consequence: missense variant.
Genome position (GRCh38, 1-based): chr14:75,971,674, G>A on the plus strand (C>T on the coding strand, the complement: TGFB3 is on the minus strand). VCF-style: chr14-75971674-G-A. GRCh37 (hg19) VCF-style: chr14-76438017-G-A.
Other names: c.397C>T, p.Arg133Cys (NM_001329938.2, NM_001329939.2); short protein forms R133C.
Identifiers: ClinVar variation 1736684 (VCV001736684.9), dbSNP rs1221353422, ClinGen allele CA390470189.
Genomic context (GRCh38, chr14:75,971,674, plus strand): 5'-CCCGGAATTCTGCTCGGAATAGGTTGGTTCTATTTTTCTCCACTGAGGACACATTGAAGC[G>A]GAAAACCTTGGAGGTAATTCCTTTAGGGCAGACAGCCAGTTCGTCTAGGAGATAAAGCAG-3'
Protein context (NP_003230.1, residues 123-143): CPKGITSKVF[Arg133Cys]FNVSSVEKNR